The following is an entry in ClinVar:

NM_017849.4(TMEM127):c.313C>T (p.Leu105=)

Gene: TMEM127 (transmembrane protein 127; minus strand). Cytogenetic location: 2q11.2.
Variant type: single nucleotide variant.
Coding change: c.313C>T on transcript NM_017849.4 (MANE Select); coding-DNA position 313, C replaced by T.
Protein change: p.Leu105=; no amino-acid change (leucine 105 retained).
Molecular consequence: synonymous variant.
Genome position (GRCh38, 1-based): chr2:96,254,929, G>A on the plus strand (C>T on the coding strand, the complement: TMEM127 is on the minus strand). VCF-style: chr2-96254929-G-A. GRCh37 (hg19) VCF-style: chr2-96920667-G-A.
Other names: c.313C>T, p.Leu105= (NM_001193304.3).
Identifiers: ClinVar variation 486536 (VCV000486536.19), dbSNP rs754465684, ClinGen allele CA1777353.

ClinVar aggregate classification (germline): Conflicting classifications of pathogenicity. Review status: criteria provided, conflicting classifications (1 of 4 stars). 5 submissions from 5 submitters: Uncertain significance (2); Benign (1); Likely benign (2). Last evaluated 2026-07-29.

Conditions:
Hereditary pheochromocytoma and paraganglioma. Also called: Hereditary paragangliomas and pheochromocytomas; Hereditary Paraganglioma-Pheochromocytoma Syndromes; Hereditary pheochromocytoma-paraganglioma. Identifiers: Orphanet 29072, MedGen C4274332, MONDO:0017366.
Hereditary cancer-predisposing syndrome. Also called: Tumor predisposition; Neoplastic Syndromes, Hereditary; Hereditary Cancer Syndrome; Hereditary neoplastic syndrome. Identifiers: Orphanet 140162, MedGen C0027672, MeSH D009386, MONDO:0015356.

Allele frequency attached by ClinVar (database versions not stated): gnomAD 0.00001; TOPMed 0.00001; ExAC 0.00001.
gnomAD v4.1: 5 of 1,614,124 alleles (0.00031%); highest among the groups gnomAD compares: Non-Finnish European, 0.00042%; no homozygotes.

Submissions (5):

Myriad Genetics, Inc.
Classification: Benign for Hereditary pheochromocytoma and paraganglioma. Last evaluated: 2026-07-29. Review status: criteria provided, single submitter. Criteria: Myriad Autosomal Dominant, Autosomal Recessive and X-Linked Classification Criteria (2023). Collection method: clinical testing. Allele origin: unknown.
Comment: This variant is considered benign. This variant is a silent/synonymous amino acid change and it is not expected to impact splicing.

Labcorp Genetics (formerly Invitae), Labcorp
Classification: Likely benign for Hereditary pheochromocytoma and paraganglioma. Last evaluated: 2025-10-21. Review status: criteria provided, single submitter. Criteria: Invitae Variant Classification Sherloc (09022015). Collection method: clinical testing. Allele origin: germline.

Sema4
Classification: Uncertain significance for Hereditary cancer-predisposing syndrome. Last evaluated: 2021-08-23. Review status: criteria provided, single submitter. Criteria: Sema4 Curation Guidelines. Collection method: curation. Allele origin: germline.
Comment: The TMEM127 c.313C>T (p.L105=) variant has not been reported in the literature to our knowledge. This variant is not reported in the population database Genome Aggregation Database (PMID: 32461654). The variant has been reported in ClinVar (Variation ID 486536). The nucleotide is conserved and computational tools suggest that this variant has no impact on splicing, but this prediction has not been confirmed by functional studies. The evidence is insufficient to meet ACMG/AMP criteria for classifying the variant as benign or pathogenic. Thus, the clinical significance of this variant is currently uncertain.

GeneDx
Classification: Uncertain significance. Last evaluated: 2020-09-28. Review status: criteria provided, single submitter. Criteria: GeneDx Variant Classification Process June 2021. Collection method: clinical testing. Allele origin: germline. Affected: yes.
Comment: Not observed in large population cohorts (Lek et al., 2016); In silico analysis supports that this variant does not alter splicing; Has not been previously published as pathogenic or benign to our knowledge

Ambry Genetics
Classification: Likely benign for Hereditary cancer-predisposing syndrome. Last evaluated: 2016-06-15. Review status: criteria provided, single submitter. Criteria: Ambry Variant Classification Scheme 2023. Collection method: clinical testing. Allele origin: germline.